The following is an entry in ClinVar:

NM_002485.5(NBN):c.585-3del

Gene: NBN (nibrin; minus strand). Cytogenetic location: 8q21.3.
Variant type: Deletion.
Coding change: c.585-3del on transcript NM_002485.5 (MANE Select); 3 bases into the intron before coding-DNA position 585, one base deleted (C; older notation c.585-3delC).
Molecular consequence: intron variant.
Genome position (GRCh38, 1-based): chr8:89,971,293, G deleted on the plus strand (C on the coding strand, the reverse complement: NBN is on the minus strand). VCF-style (leftmost placement, unchanged base first): chr8-89971292-TG-T. GRCh37 (hg19) VCF-style: chr8-90983520-TG-T.
Other names: c.339-3del (NM_001024688.3).
Identifiers: ClinVar variation 1370477 (VCV001370477.8), dbSNP rs2129839997, ClinGen allele CA2573143442.
Genomic context (GRCh38, chr8:89,971,292, plus strand): 5'-GTCCTGACAGATCAACATTTTTACTTCCAATAGATGGTTCATCAAGAGGTGGGTAAAAAC[TG>T]TAAAAATAATTAAAGTATATTCTAATTATATACTACTATGTTTGCTATTAAATTGTAAAC-3'

ClinVar aggregate classification (germline): Uncertain significance (1 of 4 stars; one submission).

Conditions:
Microcephaly, normal intelligence and immunodeficiency (NBS). Also called: Nijmegen breakage syndrome; SEEMANOVA SYNDROME II; IMMUNODEFICIENCY, MICROCEPHALY, AND CHROMOSOMAL INSTABILITY; Immunodeficiency, microcephaly with normal intelligence; Ataxia telangiectasia variant V1; Microcephaly with normal intelligence immunodeficiency and lymphoreticular malignancies. Identifiers: Orphanet 647, MedGen C0398791, MONDO:0009623, OMIM 251260.

Submission:

Labcorp Genetics (formerly Invitae), Labcorp
Classification: Uncertain significance for Microcephaly, normal intelligence and immunodeficiency. Last evaluated: 2021-02-07. Review status: criteria provided, single submitter. Criteria: Invitae Variant Classification Sherloc (09022015). Collection method: clinical testing. Allele origin: germline.
Comment: This sequence change falls in intron 5 of the NBN gene. It does not directly change the encoded amino acid sequence of the NBN protein, but it affects a nucleotide within the consensus splice site of the intron. This variant is not present in population databases (ExAC no frequency). This variant has not been reported in the literature in individuals with NBN-related conditions. Algorithms developed to predict the effect of sequence changes on RNA splicing suggest that this variant is not likely to affect RNA splicing, but this prediction has not been confirmed by published transcriptional studies. In summary, the available evidence is currently insufficient to determine the role of this variant in disease. Therefore, it has been classified as a Variant of Uncertain Significance.